The following is an entry in ClinVar:

NM_001174147.2(LMX1B):c.926A>G (p.Tyr309Cys)

Gene: LMX1B (LIM homeobox transcription factor 1 beta; plus strand). Cytogenetic location: 9q33.3.
Variant type: single nucleotide variant.
Coding change: c.926A>G on transcript NM_001174147.2 (MANE Select); coding-DNA position 926, A replaced by G.
Protein change: p.Tyr309Cys; replaces tyrosine 309 with cysteine.
Molecular consequence: missense variant.
Genome position (GRCh38, 1-based): chr9:126,695,878, A>G. VCF-style: chr9-126695878-A-G. GRCh37 (hg19) VCF-style: chr9-129458157-A-G.
Other names: c.959A>G, p.Tyr320Cys (NM_001174146.2); c.926A>G, p.Tyr309Cys (NM_002316.4); short protein forms Y309C, Y320C.
Identifiers: ClinVar variation 4698487 (VCV004698487.1).

ClinVar aggregate classification (germline): Uncertain significance (1 of 4 stars; one submission).

gnomAD v4.1: 15 of 1,613,240 alleles (0.00093%); highest among the groups gnomAD compares: Non-Finnish European, 0.0013%; no homozygotes.

Submission:

Labcorp Genetics (formerly Invitae), Labcorp
Classification: Uncertain significance. Last evaluated: 2025-04-02. Review status: criteria provided, single submitter. Criteria: Invitae Variant Classification Sherloc (09022015). Collection method: clinical testing. Allele origin: germline.
Comment: This sequence change replaces tyrosine, which is neutral and polar, with cysteine, which is neutral and slightly polar, at codon 309 of the LMX1B protein (p.Tyr309Cys). This variant is present in population databases (no rsID available, gnomAD 0.0009%). This variant has not been reported in the literature in individuals affected with LMX1B-related conditions. Invitae Evidence Modeling of protein sequence and biophysical properties (such as structural, functional, and spatial information, amino acid conservation, physicochemical variation, residue mobility, and thermodynamic stability) indicates that this missense variant is not expected to disrupt LMX1B protein function with a negative predictive value of 80%. In summary, the available evidence is currently insufficient to determine the role of this variant in disease. Therefore, it has been classified as a Variant of Uncertain Significance.